The following is an entry in ClinVar:

ClinVar aggregate classification (germline): Uncertain significance (1 of 4 stars; one submission).

Conditions:
Hereditary cancer-predisposing syndrome. Also called: Hereditary Cancer Syndrome; Neoplastic Syndromes, Hereditary; Tumor predisposition; Hereditary neoplastic syndrome. Identifiers: Orphanet 140162, MedGen C0027672, MeSH D009386, MONDO:0015356.

Allele frequency attached by ClinVar (database versions not stated): gnomAD exomes 0.00001.
gnomAD v4.1: 3 of 1,614,214 alleles (0.00019%); highest among the groups gnomAD compares: Admixed American, 0.0017%; no homozygotes.

Submission:

Ambry Genetics
Classification: Uncertain significance for Hereditary cancer-predisposing syndrome. Last evaluated: 2020-05-08. Review status: criteria provided, single submitter. Criteria: Ambry Variant Classification Scheme 2023. Collection method: clinical testing. Allele origin: germline.
Comment: The p.T1597S variant (also known as c.4790C>G), located in coding exon 15 of the APC gene, results from a C to G substitution at nucleotide position 4790. The threonine at codon 1597 is replaced by serine, an amino acid with similar properties. This amino acid position is not well conserved in available vertebrate species. In addition, in silico predictors for this gene do not accurately predict pathogenicity. Since supporting evidence is limited at this time, the clinical significance of this alteration remains unclear.

NM_000038.6(APC):c.4790C>G (p.Thr1597Ser)

Gene: APC (APC regulator of Wnt signaling pathway; plus strand). Cytogenetic location: 5q22.2.
Variant type: single nucleotide variant.
Coding change: c.4790C>G on transcript NM_000038.6 (MANE Select); coding-DNA position 4790, C replaced by G.
Protein change: p.Thr1597Ser; replaces threonine 1597 with serine.
Molecular consequence: missense variant.
Genome position (GRCh38, 1-based): chr5:112,840,384, C>G. VCF-style: chr5-112840384-C-G. GRCh37 (hg19) VCF-style: chr5-112176081-C-G.
Other names: c.4790C>G, p.Thr1597Ser (NM_001127510.3, NM_001354895.2, NM_001407450.1); c.4736C>G, p.Thr1579Ser (NM_001127511.3); c.4844C>G, p.Thr1615Ser (NM_001354896.2, NM_001407447.1, NM_001407448.1 and 1 more transcripts); c.4820C>G, p.Thr1607Ser (NM_001354897.2); c.4715C>G, p.Thr1572Ser (NM_001354898.2); c.4706C>G, p.Thr1569Ser (NM_001354899.2); c.4667C>G, p.Thr1556Ser (NM_001354900.2); c.4613C>G, p.Thr1538Ser (NM_001354901.2, NM_001407453.1); and 11 more; short protein forms T1314S, T1437S, T1587S, T1597S, T1506S, T1625S, T1213S, T1468S.
Identifiers: ClinVar variation 1743107 (VCV001743107.2), dbSNP rs1371236822, ClinGen allele CA16031831.